The following is an entry in ClinVar:

NM_000340.2(SLC2A2):c.496+7_496+8insCTCA

Gene: SLC2A2 (solute carrier family 2 member 2; minus strand). Cytogenetic location: 3q26.2.
Variant type: Insertion.
Coding change: c.496+7_496+8insCTCA on transcript NM_000340.2 (MANE Select); bases 7 to 8 of the intron after coding-DNA position 496, CTCA inserted.
Molecular consequence: intron variant.
Genome position: GRCh38 VCF-style: chr3-171009950-T-TGTGA. GRCh37 (hg19) VCF-style: chr3-170727739-T-TGTGA.
Other names: c.496+7_496+8insTCAC (NM_000340.2); c.139+7_139+8insCTCA (NM_001278658.2); c.-23-2688_-23-2687insCTCA (NM_001278659.2).
Identifiers: ClinVar variation 540254 (VCV000540254.15), dbSNP rs746295534, ClinGen allele CA2702686.

ClinVar aggregate classification (germline): Benign/Likely benign. Review status: criteria provided, multiple submitters, no conflicts (2 of 4 stars). 3 submissions from 3 submitters: Benign (1); Likely benign (1). 1 of the submissions does not count toward it. Last evaluated 2021-05-06.

Conditions:
SLC2A2-related disorder. Also called: SLC2A2-related condition.
Fanconi-Bickel syndrome (FBS). Also called: FANCONI SYNDROME WITH INTESTINAL MALABSORPTION AND GALACTOSE INTOLERANCE; HEPATIC GLYCOGENOSIS WITH AMINO ACIDURIA AND GLUCOSURIA; HEPATIC GLYCOGENOSIS WITH FANCONI NEPHROPATHY; HEPATORENAL GLYCOGENOSIS WITH RENAL FANCONI SYNDROME; Glycogen storage disease due to GLUT2 deficiency; PSEUDO-PHLORIZIN DIABETES. Identifiers: Orphanet 2088, MedGen C3495427, MONDO:0009216, OMIM 227810.

Submissions (3):

Labcorp Genetics (formerly Invitae), Labcorp
Classification: Likely benign for Fanconi-Bickel syndrome. Last evaluated: 2021-05-06. Review status: criteria provided, single submitter. Criteria: Invitae Variant Classification Sherloc (09022015). Collection method: clinical testing. Allele origin: germline.

Genetic Services Laboratory, University of Chicago
Classification: Benign. Last evaluated: 2021-04-02. Review status: criteria provided, single submitter. Criteria: ACMG Guidelines, 2015. Collection method: clinical testing. Allele origin: germline. Affected: no.

PreventionGenetics, part of Exact Sciences
Classification: Benign for SLC2A2-related condition. Last evaluated: 2019-09-10. Review status: no assertion criteria provided. Collection method: clinical testing. Allele origin: germline. Not counted in ClinVar's aggregate classification.
Comment: This variant is classified as benign based on ACMG/AMP sequence variant interpretation guidelines (Richards et al. 2015 PMID: 25741868, with internal and published modifications).